The following is an entry in ClinVar:

NM_001943.5(DSG2):c.3130G>C (p.Val1044Leu)

Genes: DSG2 (desmoglein 2; plus strand), DSG2-AS1 (DSG2 antisense RNA 1; minus strand). Cytogenetic location: 18q12.1.
Variant type: single nucleotide variant.
Coding change: c.3130G>C on transcript NM_001943.5 (MANE Select); coding-DNA position 3130, G replaced by C.
Protein change: p.Val1044Leu; replaces valine 1044 with leucine.
Molecular consequence: missense variant.
Genome position (GRCh38, 1-based): chr18:31,546,516, G>C. VCF-style: chr18-31546516-G-C. GRCh37 (hg19) VCF-style: chr18-29126479-G-C.
Other names: short protein forms V1044L.
Identifiers: ClinVar variation 3505424 (VCV003505424.1).

ClinVar aggregate classification (germline): Uncertain significance (1 of 4 stars; one submission).

Conditions:
Cardiovascular phenotype. Identifiers: MedGen CN230736.

Submission:

Ambry Genetics
Classification: Uncertain significance for Cardiovascular phenotype. Last evaluated: 2024-10-24. Review status: criteria provided, single submitter. Criteria: Ambry Variant Classification Scheme 2023. Collection method: clinical testing. Allele origin: germline.
Comment: The p.V1044L variant (also known as c.3130G>C), located in coding exon 15 of the DSG2 gene, results from a G to C substitution at nucleotide position 3130. The valine at codon 1044 is replaced by leucine, an amino acid with highly similar properties. This amino acid position is conserved. In addition, the in silico prediction for this alteration is inconclusive. Based on the available evidence, the clinical significance of this variant remains unclear.